The following is an entry in ClinVar:

ClinVar aggregate classification (germline): Uncertain significance (1 of 4 stars; one submission).

Allele frequency attached by ClinVar (database versions not stated): gnomAD exomes below 0.00001.
gnomAD v4.1: 4 of 1,612,974 alleles (0.00025%); highest among the groups gnomAD compares: Middle Eastern, 0.017%; no homozygotes.

Submission:

Labcorp Genetics (formerly Invitae), Labcorp
Classification: Uncertain significance. Last evaluated: 2022-03-06. Review status: criteria provided, single submitter. Criteria: Invitae Variant Classification Sherloc (09022015). Collection method: clinical testing. Allele origin: germline.
Comment: In summary, the available evidence is currently insufficient to determine the role of this variant in disease. Therefore, it has been classified as a Variant of Uncertain Significance. Algorithms developed to predict the effect of missense changes on protein structure and function are either unavailable or do not agree on the potential impact of this missense change (SIFT: "Deleterious"; PolyPhen-2: "Possibly Damaging"; Align-GVGD: "Class C0"). This variant has not been reported in the literature in individuals affected with SBF1-related conditions. This variant is not present in population databases (gnomAD no frequency). This sequence change replaces proline, which is neutral and non-polar, with leucine, which is neutral and non-polar, at codon 957 of the SBF1 protein (p.Pro957Leu).

NM_002972.4(SBF1):c.2870C>T (p.Pro957Leu)

Gene: SBF1 (SET binding factor 1; minus strand). Cytogenetic location: 22q13.33.
Variant type: single nucleotide variant.
Coding change: c.2870C>T on transcript NM_002972.4 (MANE Select); coding-DNA position 2870, C replaced by T.
Protein change: p.Pro957Leu; replaces proline 957 with leucine.
Molecular consequence: missense variant.
Genome position (GRCh38, 1-based): chr22:50,461,256, G>A on the plus strand (C>T on the coding strand, the complement: SBF1 is on the minus strand). VCF-style: chr22-50461256-G-A. GRCh37 (hg19) VCF-style: chr22-50899685-G-A.
Other names: c.2873C>T, p.Pro958Leu (NM_001365819.1, NM_001410794.1); c.2870C>T, p.Pro957Leu (NM_001410795.1, NM_197971.1); short protein forms P957L, P958L.
Identifiers: ClinVar variation 2096238 (VCV002096238.2), dbSNP rs2521931807, ClinGen allele CA412208169.